The following is an entry in ClinVar:

NM_003327.4(TNFRSF4):c.118G>A (p.Asp40Asn)

Gene: TNFRSF4 (TNF receptor superfamily member 4; minus strand). Cytogenetic location: 1p36.33.
Variant type: single nucleotide variant.
Coding change: c.118G>A on transcript NM_003327.4 (MANE Select); coding-DNA position 118, G replaced by A.
Protein change: p.Asp40Asn; replaces aspartic acid 40 with asparagine.
Molecular consequence: missense variant.
Genome position (GRCh38, 1-based): chr1:1,214,010, C>T on the plus strand (G>A on the coding strand, the complement: TNFRSF4 is on the minus strand). VCF-style: chr1-1214010-C-T. GRCh37 (hg19) VCF-style: chr1-1149390-C-T.
Other names: c.118G>A, p.Asp40Asn (NM_001410709.1); short protein forms D40N.
Identifiers: ClinVar variation 3623943 (VCV003623943.2).
Genomic context (GRCh38, chr1:1,214,010, plus strand): 5'-GCCCGTGCGTGGCGACCCCTCCTGAGGCCTCACCTGGCCTGCACTCGTGGCAGCACCGGT[C>T]GTTGCTGGGGTAGGTGTCCCCGACACAGTGGAGCCCCGTCACGGTGCTCAGCCCCAGGCC-3'
Protein context (NP_003318.1, residues 30-50): HCVGDTYPSN[Asp40Asn]RCCHECRPGN

ClinVar aggregate classification (germline): Uncertain significance (1 of 4 stars; one submission).

Conditions:
Combined immunodeficiency due to OX40 deficiency. Also called: OX40 DEFICIENCY; Immunodeficiency 16. Identifiers: Orphanet 431149, MedGen C3810053, MONDO:0014268, OMIM 615593.

Submission:

Labcorp Genetics (formerly Invitae), Labcorp
Classification: Uncertain significance for Combined immunodeficiency due to OX40 deficiency. Last evaluated: 2024-12-15. Review status: criteria provided, single submitter. Criteria: Invitae Variant Classification Sherloc (09022015). Collection method: clinical testing. Allele origin: germline.
Comment: This sequence change replaces aspartic acid, which is acidic and polar, with asparagine, which is neutral and polar, at codon 40 of the TNFRSF4 protein (p.Asp40Asn). The frequency data for this variant in the population databases is considered unreliable, as metrics indicate poor data quality at this position in the gnomAD database. This variant has not been reported in the literature in individuals affected with TNFRSF4-related conditions. Invitae Evidence Modeling of protein sequence and biophysical properties (such as structural, functional, and spatial information, amino acid conservation, physicochemical variation, residue mobility, and thermodynamic stability) indicates that this missense variant is not expected to disrupt TNFRSF4 protein function with a negative predictive value of 80%. In summary, the available evidence is currently insufficient to determine the role of this variant in disease. Therefore, it has been classified as a Variant of Uncertain Significance.